The following is an entry in ClinVar:

NM_001278064.2(GRM1):c.1643C>T (p.Thr548Met)

Gene: GRM1 (glutamate metabotropic receptor 1; plus strand). Cytogenetic location: 6q24.3.
Variant type: single nucleotide variant.
Coding change: c.1643C>T on transcript NM_001278064.2 (MANE Select); coding-DNA position 1643, C replaced by T.
Protein change: p.Thr548Met; replaces threonine 548 with methionine.
Molecular consequence: missense variant.
Genome position (GRCh38, 1-based): chr6:146,386,930, C>T. VCF-style: chr6-146386930-C-T. GRCh37 (hg19) VCF-style: chr6-146708066-C-T.
Other names: c.1643C>T, p.Thr548Met (NM_001278065.2, NM_001278066.1, NM_001278067.1); short protein forms T548M.
Identifiers: ClinVar variation 804878 (VCV000804878.4), dbSNP rs201399008, ClinGen allele CA4037336.

ClinVar aggregate classification (germline): Uncertain significance. Review status: criteria provided, multiple submitters, no conflicts (2 of 4 stars). 2 submissions from 2 submitters: Uncertain significance (2). Last evaluated 2025-02-05.

Conditions:
GRM1-related disorder. Also called: GRM1-related condition.

Allele frequency attached by ClinVar (database versions not stated): gnomAD 0.00009; gnomAD exomes 0.00015 and 0.00009; TOPMed 0.00007; ExAC 0.00007; ESP Exome Variant Server 0.00008.

Submissions (2):

Athena Diagnostics
Classification: Uncertain significance. Last evaluated: 2025-02-05. Review status: criteria provided, single submitter. Criteria: Athena Diagnostics Criteria. Collection method: clinical testing. Allele origin: unknown.
Comment: Available data are insufficient to determine the clinical significance of the variant at this time. The frequency of this variant in the general population is uninformative in assessment of its pathogenicity. Polyphen and MutationTaster yielded discordant predictions regarding whether this amino acid change is damaging to the protein.

PreventionGenetics, part of Exact Sciences
Classification: Uncertain significance for GRM1-related condition. Last evaluated: 2023-01-04. Review status: criteria provided, single submitter. Criteria: ACMG Guidelines, 2015. Collection method: clinical testing. Allele origin: germline.
Comment: The GRM1 c.1643C>T variant is predicted to result in the amino acid substitution p.Thr548Met. To our knowledge, this variant has not been reported in the literature in association with spinocerebellar ataxia. This variant is reported in 0.039% of alleles in individuals of Ashkenazi Jewish descent in gnomAD. At this time, the clinical significance of this variant is uncertain due to the absence of conclusive functional and genetic evidence.